The following is an entry in ClinVar:

NM_015662.3(IFT172):c.5000G>A (p.Arg1667His)

Genes: IFT172 (intraflagellar transport 172; minus strand), KRTCAP3 (keratinocyte associated protein 3; plus strand). Cytogenetic location: 2p23.3.
Variant type: single nucleotide variant.
Coding change: c.5000G>A on transcript NM_015662.3 (MANE Select); coding-DNA position 5000, G replaced by A.
Protein change: p.Arg1667His; replaces arginine 1667 with histidine.
Molecular consequence: missense variant. On other transcripts: intron variant (1).
Genome position (GRCh38, 1-based): chr2:27,445,364, C>T on the plus strand (G>A on the coding strand, the complement: IFT172 is on the minus strand). VCF-style: chr2-27445364-C-T. GRCh37 (hg19) VCF-style: chr2-27668231-C-T.
Other names: c.4934G>A, p.Arg1645His (NM_001410739.1); c.*6-937C>T (NM_001168364.2); short protein forms R1667H, R1645H.
Identifiers: ClinVar variation 1054216 (VCV001054216.12), dbSNP rs201017771, ClinGen allele CA1579392.

ClinVar aggregate classification (germline): Uncertain significance. Review status: criteria provided, multiple submitters, no conflicts (2 of 4 stars). 4 submissions from 4 submitters: Uncertain significance (3). 1 of the submissions does not count toward it. Last evaluated 2025-07-31.

Conditions:
Short-rib thoracic dysplasia 10 with or without polydactyly (SRTD10). Identifiers: Orphanet 474, MedGen C3810175, MONDO:0014284, OMIM 615630.
Retinitis pigmentosa 71 (RP71). Identifiers: Orphanet 791, MedGen C4225342, MONDO:0014618, OMIM 616394.
Bardet-Biedl syndrome 20. Identifiers: MedGen C4310707, MONDO:0023670, OMIM 619471, MONDO:0014926.
IFT172-related disorder. Also called: IFT172-related condition; IFT172-related disorders.

Allele frequency attached by ClinVar (database versions not stated): 1000 Genomes Project 30x 0.00016; 1000 Genomes Project 0.00020; gnomAD 0.00005 and 0.00004; ExAC 0.00005; gnomAD exomes 0.00004; TOPMed 0.00005.
gnomAD v4.1: 33 of 1,613,140 alleles (0.002%); highest among the groups gnomAD compares: African/African-American, 0.011%; no homozygotes.

Submissions (4):

Labcorp Genetics (formerly Invitae), Labcorp
Classification: Uncertain significance for Retinitis pigmentosa 71; Short-rib thoracic dysplasia 10 with or without polydactyly. Last evaluated: 2025-07-31. Review status: criteria provided, single submitter. Criteria: Invitae Variant Classification Sherloc (09022015). Collection method: clinical testing. Allele origin: germline.
Comment: This sequence change replaces arginine, which is basic and polar, with histidine, which is basic and polar, at codon 1667 of the IFT172 protein (p.Arg1667His). This variant is present in population databases (rs201017771, gnomAD 0.008%). This variant has not been reported in the literature in individuals affected with IFT172-related conditions. ClinVar contains an entry for this variant (Variation ID: 1054216). Invitae Evidence Modeling of protein sequence and biophysical properties (such as structural, functional, and spatial information, amino acid conservation, physicochemical variation, residue mobility, and thermodynamic stability) indicates that this missense variant is expected to disrupt IFT172 protein function with a positive predictive value of 95%. In summary, the available evidence is currently insufficient to determine the role of this variant in disease. Therefore, it has been classified as a Variant of Uncertain Significance.

Fulgent Genetics
Classification: Uncertain significance for Short-rib thoracic dysplasia 10 with or without polydactyly; Retinitis pigmentosa 71; Bardet-Biedl syndrome 20. Last evaluated: 2024-04-19. Review status: criteria provided, single submitter. Criteria: ACMG Guidelines, 2015. Collection method: clinical testing. Allele origin: germline.

Blueprint Genetics
Classification: Uncertain significance. Last evaluated: 2023-10-20. Review status: criteria provided, single submitter. Criteria: ACMG Guidelines, 2015. Collection method: clinical testing. Allele origin: germline.

PreventionGenetics, part of Exact Sciences
Classification: Uncertain significance for IFT172-related condition. Last evaluated: 2024-08-06. Review status: no assertion criteria provided. Collection method: clinical testing. Allele origin: germline. Not counted in ClinVar's aggregate classification.
Comment: The IFT172 c.5000G>A variant is predicted to result in the amino acid substitution p.Arg1667His. To our knowledge, this variant has not been reported in the literature. This variant is reported in 0.0081% of alleles in individuals of African descent in gnomAD. At this time, the clinical significance of this variant is uncertain due to the absence of conclusive functional and genetic evidence.